The following is an entry in ClinVar:

ClinVar aggregate classification (germline): Uncertain significance. Review status: criteria provided, multiple submitters, no conflicts (2 of 4 stars). 3 submissions from 3 submitters: Uncertain significance (3). Last evaluated 2025-10-27.

Conditions:
Inborn genetic diseases. Identifiers: MedGen C0950123, MeSH D030342.
Nephrolithiasis, calcium oxalate. Also called: Calcium oxalate urolithiasis. Identifiers: MedGen C1833683, MONDO:0957318, HP:0008672.

Allele frequency attached by ClinVar (database versions not stated): gnomAD 0.00018 and 0.00019; TOPMed 0.00022; ESP Exome Variant Server 0.00008; gnomAD exomes 0.00009; ExAC 0.00011.
gnomAD v4.1: 249 of 1,596,520 alleles (0.016%); highest among the groups gnomAD compares: Middle Eastern, 0.066%; no homozygotes.

Submissions (3):

Labcorp Genetics (formerly Invitae), Labcorp
Classification: Uncertain significance. Last evaluated: 2025-10-27. Review status: criteria provided, single submitter. Criteria: Invitae Variant Classification Sherloc (09022015). Collection method: clinical testing. Allele origin: germline.
Comment: This sequence change replaces glutamic acid, which is acidic and polar, with lysine, which is basic and polar, at codon 529 of the SLC26A1 protein (p.Glu529Lys). This variant is present in population databases (rs371738826, gnomAD 0.01%). This variant has not been reported in the literature in individuals affected with SLC26A1-related conditions. ClinVar contains an entry for this variant (Variation ID: 1022635). Invitae Evidence Modeling of protein sequence and biophysical properties (such as structural, functional, and spatial information, amino acid conservation, physicochemical variation, residue mobility, and thermodynamic stability) indicates that this missense variant is not expected to disrupt SLC26A1 protein function with a negative predictive value of 80%. In summary, the available evidence is currently insufficient to determine the role of this variant in disease. Therefore, it has been classified as a Variant of Uncertain Significance.

Ambry Genetics
Classification: Uncertain significance for Inborn genetic diseases. Last evaluated: 2025-05-25. Review status: criteria provided, single submitter. Criteria: Ambry Variant Classification Scheme 2023. Collection method: clinical testing. Allele origin: germline.

Fulgent Genetics
Classification: Uncertain significance for Nephrolithiasis susceptibility caused by SLC26A1. Last evaluated: 2021-08-05. Review status: criteria provided, single submitter. Criteria: ACMG Guidelines, 2015. Collection method: clinical testing. Allele origin: unknown.

NM_022042.4(SLC26A1):c.1585G>A (p.Glu529Lys)

Genes: IDUA (alpha-L-iduronidase; plus strand), SLC26A1 (solute carrier family 26 member 1; minus strand). Cytogenetic location: 4p16.3.
Variant type: single nucleotide variant.
Coding change: c.1585G>A on transcript NM_022042.4 (MANE Select); coding-DNA position 1585, G replaced by A.
Protein change: p.Glu529Lys; replaces glutamic acid 529 with lysine.
Molecular consequence: missense variant. On other transcripts: intron variant (2).
Genome position (GRCh38, 1-based): chr4:989,354, C>T on the plus strand (G>A on the coding strand, the complement: SLC26A1 is on the minus strand). VCF-style: chr4-989354-C-T. GRCh37 (hg19) VCF-style: chr4-983142-C-T.
Other names: c.1585G>A (NM_213613.2); c.1585G>A, p.Glu529Lys (NM_213613.4); c.576+1774G>A (NM_134425.4); c.299+1405C>T (NM_000203.5); short protein forms E529K.
Identifiers: ClinVar variation 1022635 (VCV001022635.13), dbSNP rs371738826, ClinGen allele CA2801344.